The following is an entry in ClinVar:

NM_001370595.2(COA8):c.50G>T (p.Arg17Leu)

Gene: COA8 (cytochrome c oxidase assembly factor 8; plus strand). Cytogenetic location: 14q32.33.
Variant type: single nucleotide variant.
Coding change: c.50G>T on transcript NM_001370595.2 (MANE Select); coding-DNA position 50, G replaced by T.
Protein change: p.Arg17Leu; replaces arginine 17 with leucine.
Molecular consequence: missense variant. On other transcripts: non-coding transcript variant (2).
Genome position (GRCh38, 1-based): chr14:103,563,051, G>T. VCF-style: chr14-103563051-G-T. GRCh37 (hg19) VCF-style: chr14-104029388-G-T.
Other names: c.50G>T, p.Arg17Leu (NM_001302653.2, NM_001302654.2); c.89G>T, p.Arg30Leu (NM_032374.4); short protein forms R17L, R30L.
Identifiers: ClinVar variation 1965084 (VCV001965084.12), dbSNP rs1162136633, ClinGen allele CA391111275.
Genomic context (GRCh38, chr14:103,563,051, plus strand): 5'-GGCGTGGGGCCATGGTGGTCTTGCGGGCGGGGAAGAAGACCTTTCTCCCCCCTCTCTGCC[G>T]CGCCTTCGCCTGCCGCGGCTGTCAACTCGCTCCGGAGCGCGGCGCCGAGCGCAGGGATAC-3'
Protein context (NP_001357524.1, residues 7-27): GKKTFLPPLC[Arg17Leu]AFACRGCQLA

ClinVar aggregate classification (germline): Uncertain significance. Review status: criteria provided, multiple submitters, no conflicts (2 of 4 stars). 2 submissions from 2 submitters: Uncertain significance (2). Last evaluated 2025-09-01.

Allele frequency attached by ClinVar (database versions not stated): TOPMed below 0.00001; gnomAD 0.00001.
gnomAD v4.1: 13 of 1,540,414 alleles (0.00084%); highest among the groups gnomAD compares: East Asian, 0.0024%; no homozygotes.

Submissions (2):

CeGaT Center for Human Genetics Tuebingen
Classification: Uncertain significance. Last evaluated: 2025-09-01. Review status: criteria provided, single submitter. Criteria: CeGaT Center For Human Genetics Tuebingen Variant Classification Criteria Version 2. Collection method: clinical testing. Allele origin: germline. Affected: yes. Observed: 1 variant allele.
Comment: COA8: PM2, BP4

Labcorp Genetics (formerly Invitae), Labcorp
Classification: Uncertain significance. Last evaluated: 2022-03-01. Review status: criteria provided, single submitter. Criteria: Invitae Variant Classification Sherloc (09022015). Collection method: clinical testing. Allele origin: germline.
Comment: In summary, the available evidence is currently insufficient to determine the role of this variant in disease. Therefore, it has been classified as a Variant of Uncertain Significance. Algorithms developed to predict the effect of missense changes on protein structure and function are either unavailable or do not agree on the potential impact of this missense change (SIFT: "Deleterious"; PolyPhen-2: "Possibly Damaging"; Align-GVGD: "Class C0"). This variant has not been reported in the literature in individuals affected with APOPT1-related conditions. The frequency data for this variant in the population databases is considered unreliable, as metrics indicate poor data quality at this position in the gnomAD database. This sequence change replaces arginine, which is basic and polar, with leucine, which is neutral and non-polar, at codon 30 of the APOPT1 protein (p.Arg30Leu).